The following is an entry in ClinVar:

NM_000784.4(CYP27A1):c.1304C>T (p.Pro435Leu)

Gene: CYP27A1 (cytochrome P450 family 27 subfamily A member 1; plus strand). Cytogenetic location: 2q35.
Variant type: single nucleotide variant.
Coding change: c.1304C>T on transcript NM_000784.4 (MANE Select); coding-DNA position 1304, C replaced by T.
Protein change: p.Pro435Leu; replaces proline 435 with leucine.
Molecular consequence: missense variant.
Genome position (GRCh38, 1-based): chr2:218,814,585, C>T. VCF-style: chr2-218814585-C-T. GRCh37 (hg19) VCF-style: chr2-219679308-C-T.
Other names: short protein forms P435L.
Identifiers: ClinVar variation 1769477 (VCV001769477.3), dbSNP rs1559393493, ClinGen allele CA350594028.

ClinVar aggregate classification (germline): Uncertain significance. Review status: criteria provided, multiple submitters, no conflicts (2 of 4 stars). 2 submissions from 2 submitters: Uncertain significance (2). Last evaluated 2025-12-03.

Conditions:
Cholestanol storage disease (CTX). Also called: CEREBRAL CHOLESTERINOSIS; Cerebrotendinous Xanthomatosis; CTX: Cerebrotendinous xanthomatosis. Identifiers: Orphanet 909, MedGen C0238052, MONDO:0008948, OMIM 213700.
Cardiovascular phenotype. Identifiers: MedGen CN230736.

Allele frequency attached by ClinVar (database versions not stated): gnomAD exomes below 0.00001.
gnomAD v4.1: 1 of 1,614,208 alleles (0.000062%); highest among the groups gnomAD compares: South Asian, 0.0011%; no homozygotes.

Submissions (2):

Labcorp Genetics (formerly Invitae), Labcorp
Classification: Uncertain significance for Cholestanol storage disease. Last evaluated: 2025-12-03. Review status: criteria provided, single submitter. Criteria: Invitae Variant Classification Sherloc (09022015). Collection method: clinical testing. Allele origin: germline.
Comment: This sequence change replaces proline, which is neutral and non-polar, with leucine, which is neutral and non-polar, at codon 435 of the CYP27A1 protein (p.Pro435Leu). This variant is not present in population databases (gnomAD no frequency). This variant has not been reported in the literature in individuals affected with CYP27A1-related conditions. ClinVar contains an entry for this variant (Variation ID: 1769477). Invitae Evidence Modeling of protein sequence and biophysical properties (such as structural, functional, and spatial information, amino acid conservation, physicochemical variation, residue mobility, and thermodynamic stability) has been performed for this missense variant. However, the output from this modeling did not meet the statistical confidence thresholds required to predict the impact of this variant on CYP27A1 protein function. In summary, the available evidence is currently insufficient to determine the role of this variant in disease. Therefore, it has been classified as a Variant of Uncertain Significance.

Ambry Genetics
Classification: Uncertain significance for Cardiovascular phenotype. Last evaluated: 2022-06-14. Review status: criteria provided, single submitter. Criteria: Ambry Variant Classification Scheme 2023. Collection method: clinical testing. Allele origin: germline.
Comment: The p.P435L variant (also known as c.1304C>T), located in coding exon 8 of the CYP27A1 gene, results from a C to T substitution at nucleotide position 1304. The proline at codon 435 is replaced by leucine, an amino acid with similar properties. This amino acid position is conserved. In addition, this alteration is predicted to be tolerated by in silico analysis. Since supporting evidence is limited at this time, the clinical significance of this alteration remains unclear.